The following is an entry in ClinVar:

NM_003332.4(TYROBP):c.267G>A (p.Ser89=)

Gene: TYROBP (transmembrane immune signaling adaptor TYROBP; minus strand). Cytogenetic location: 19q13.12.
Variant type: single nucleotide variant.
Coding change: c.267G>A on transcript NM_003332.4 (MANE Select); coding-DNA position 267, G replaced by A.
Protein change: p.Ser89=; no amino-acid change (serine 89 retained).
Molecular consequence: synonymous variant. On other transcripts: non-coding transcript variant (1).
Genome position (GRCh38, 1-based): chr19:35,907,227, C>T on the plus strand (G>A on the coding strand, the complement: TYROBP is on the minus strand). VCF-style: chr19-35907227-C-T. GRCh37 (hg19) VCF-style: chr19-36398129-C-T.
Other names: c.234G>A, p.Ser78= (NM_001173514.2); c.231G>A, p.Ser77= (NM_001173515.2); c.264G>A, p.Ser88= (NM_198125.3); c.267G>A (NM_003332.3).
Identifiers: ClinVar variation 1547938 (VCV001547938.10), dbSNP rs760509495, ClinGen allele CA9393026.

ClinVar aggregate classification (germline): Likely benign. Review status: criteria provided, single submitter (1 of 4 stars). 2 submissions from 2 submitters: Likely benign (1). 1 of the submissions does not count toward it. Last evaluated 2025-08-10.

Conditions:
TYROBP-related disorder. Also called: TYROBP-related condition.

Allele frequency attached by ClinVar (database versions not stated): gnomAD exomes 0.00006; ExAC 0.00009; gnomAD 0.00019 and 0.00023; TOPMed 0.00029.
gnomAD v4.1: 105 of 1,603,400 alleles (0.0065%); highest among the groups gnomAD compares: African/African-American, 0.059%; no homozygotes.

Submissions (2):

Labcorp Genetics (formerly Invitae), Labcorp
Classification: Likely benign. Last evaluated: 2025-08-10. Review status: criteria provided, single submitter. Criteria: Invitae Variant Classification Sherloc (09022015). Collection method: clinical testing. Allele origin: germline.

PreventionGenetics, part of Exact Sciences
Classification: Likely benign for TYROBP-related condition. Last evaluated: 2022-06-24. Review status: no assertion criteria provided. Collection method: clinical testing. Allele origin: germline. Not counted in ClinVar's aggregate classification.
Comment: This variant is classified as likely benign based on ACMG/AMP sequence variant interpretation guidelines (Richards et al. 2015 PMID: 25741868, with internal and published modifications).